The following is an entry in ClinVar:

ClinVar aggregate classification (germline): Likely benign. Review status: criteria provided, multiple submitters, no conflicts (2 of 4 stars). 3 submissions from 3 submitters: Likely benign (2). 1 of the submissions does not count toward it. Last evaluated 2025-12-30.

Conditions:
Familial cancer of breast. Also called: Hereditary breast cancer; BREAST CANCER, FAMILIAL; hereditary breast carcinoma. Identifiers: Orphanet 227535, MedGen C0346153, MONDO:0016419, OMIM 114480. Disease mechanism: loss of function.
Ataxia-telangiectasia syndrome (AT). Also called: ATAXIA-TELANGIECTASIA, COMPLEMENTATION GROUP A; ATAXIA-TELANGIECTASIA, FRESNO VARIANT; Ataxia-telangiectasia; Ataxia-telangiectasia, complementation group D; AT, COMPLEMENTATION GROUP C; Ataxia-telangiectasia, complementation group E. Identifiers: Orphanet 100, MedGen C0004135, MONDO:0008840, OMIM 208900.

Allele frequency attached by ClinVar (database versions not stated): gnomAD exomes below 0.00001.
gnomAD v4.1: 1 of 1,603,244 alleles (0.000062%); highest among the groups gnomAD compares: Admixed American, 0.0017%; no homozygotes.

Submissions (3):

Labcorp Genetics (formerly Invitae), Labcorp
Classification: Likely benign for Ataxia-telangiectasia syndrome. Last evaluated: 2025-12-30. Review status: criteria provided, single submitter. Criteria: Invitae Variant Classification Sherloc (09022015). Collection method: clinical testing. Allele origin: germline.

Myriad Genetics, Inc.
Classification: Likely benign for Familial cancer of breast. Last evaluated: 2024-06-20. Review status: criteria provided, single submitter. Criteria: Myriad Autosomal Dominant, Autosomal Recessive and X-Linked Classification Criteria (2023). Collection method: clinical testing. Allele origin: unknown.
Comment: This variant is considered likely benign. This variant is intronic and is not expected to impact mRNA splicing.

Natera, Inc.
Classification: Uncertain significance for Ataxia-telangiectasia. Last evaluated: 2025-05-26. Review status: no assertion criteria provided. Collection method: clinical testing. Allele origin: germline. Not counted in ClinVar's aggregate classification.

NM_000051.4(ATM):c.8786+10A>G

Genes: ATM (ATM serine/threonine kinase; plus strand), C11orf65 (chromosome 11 open reading frame 65; minus strand). Cytogenetic location: 11q22.3.
Variant type: single nucleotide variant.
Coding change: c.8786+10A>G on transcript NM_000051.4 (MANE Select); 10 bases into the intron after coding-DNA position 8786, A replaced by G.
Molecular consequence: intron variant.
Genome position (GRCh38, 1-based): chr11:108,353,890, A>G. VCF-style: chr11-108353890-A-G. GRCh37 (hg19) VCF-style: chr11-108224617-A-G.
Other names: c.8786+10A>G (NM_001351834.2); c.640+32030T>C (NM_001330368.2); c.695-18598T>C (NM_001351110.2).
Identifiers: ClinVar variation 794018 (VCV000794018.9), dbSNP rs1591307673, ClinGen allele CA915948334.
Genomic context (GRCh38, chr11:108,353,890, plus strand): 5'-AGATATTGTGGATGGCATGGGCATTACGGGTGTTGAAGGTGTCTTCAGAAGGTAAGTGAT[A>G]TGAAGTAAAGGAGGGAAATAATTTTTGATGTCAAAATTACATGGGCTGGGCATGGTTCTT-3'